The following is an entry in ClinVar:

ClinVar aggregate classification (germline): Uncertain significance (1 of 4 stars; one submission).

Conditions:
Niemann-Pick disease, type C2 (NPC2). Identifiers: Orphanet 646, MedGen C1843366, MONDO:0011873, OMIM 607625.

Submission:

Labcorp Genetics (formerly Invitae), Labcorp
Classification: Uncertain significance for Niemann-Pick disease, type C2. Last evaluated: 2019-06-27. Review status: criteria provided, single submitter. Criteria: Invitae Variant Classification Sherloc (09022015). Collection method: clinical testing. Allele origin: germline.
Comment: In summary, the available evidence is currently insufficient to determine the role of this variant in disease. Therefore, it has been classified as a Variant of Uncertain Significance. Experimental studies and prediction algorithms are not available for this variant, and the functional significance of the affected amino acids is currently unknown. This variant has not been reported in the literature in individuals with NPC2-related conditions. This variant is a gross deletion of the genomic region encompassing exons 2-5 of the NPC2 gene. The 5' boundary is likely confined to intron 1. The 3' end of this event is unknown as it extends through the termination codon beyond the assayed region for this gene and may encompass additional genes. While this deletion is not anticipated to result in nonsense mediated decay, it is expected to create a truncated protein product or disrupt mRNA translation.

NC_000014.9:g.(?_74480254)_(74486456_?)del

Gene: NPC2 (NPC intracellular cholesterol transporter 2; minus strand). Cytogenetic location: 14q24.3.
Variant type: Deletion.
Identifiers: ClinVar variation 655239 (VCV000655239.6).